The following is an entry in ClinVar:

NM_007186.6(CEP250):c.1933G>A (p.Val645Ile)

Genes: CEP250 (centrosomal protein 250; plus strand), CEP250-AS1 (CEP250 antisense RNA 1; minus strand). Cytogenetic location: 20q11.22.
Variant type: single nucleotide variant.
Coding change: c.1933G>A on transcript NM_007186.6 (MANE Select); coding-DNA position 1933, G replaced by A.
Protein change: p.Val645Ile; replaces valine 645 with isoleucine.
Molecular consequence: missense variant.
Genome position (GRCh38, 1-based): chr20:35,477,940, G>A. VCF-style: chr20-35477940-G-A. GRCh37 (hg19) VCF-style: chr20-34065765-G-A.
Other names: c.37G>A, p.Val13Ile (NM_001318219.1); short protein forms V13I, V645I.
Identifiers: ClinVar variation 1053653 (VCV001053653.6), dbSNP rs2146853826, ClinGen allele CA408766079.
Genomic context (GRCh38, chr20:35,477,940, plus strand): 5'-GAGAACCAGTCTGTGTGCAGCAGAATGGAGGCCGCAGAGCAGGCGAGAAATGCTTTGCAG[G>A]TCGACCTGGCGGAGGCAGAGAAGAGGAGGGAAGCCCTGTGGGAAAAGAACACTCACCTGG-3'
Protein context (NP_009117.2, residues 635-655): AAEQARNALQ[Val645Ile]DLAEAEKRRE

ClinVar aggregate classification (germline): Uncertain significance (1 of 4 stars; one submission).

gnomAD v4.1: 1 of 1,610,176 alleles (0.000062%); no homozygotes.

Submission:

Labcorp Genetics (formerly Invitae), Labcorp
Classification: Uncertain significance. Last evaluated: 2024-02-23. Review status: criteria provided, single submitter. Criteria: Invitae Variant Classification Sherloc (09022015). Collection method: clinical testing. Allele origin: germline.
Comment: This sequence change replaces valine, which is neutral and non-polar, with isoleucine, which is neutral and non-polar, at codon 645 of the CEP250 protein (p.Val645Ile). This variant is not present in population databases (gnomAD no frequency). This variant has not been reported in the literature in individuals affected with CEP250-related conditions. ClinVar contains an entry for this variant (Variation ID: 1053653). An algorithm developed to predict the effect of missense changes on protein structure and function (PolyPhen-2) suggests that this variant is likely to be tolerated. In summary, the available evidence is currently insufficient to determine the role of this variant in disease. Therefore, it has been classified as a Variant of Uncertain Significance.